The following is an entry in ClinVar:

ClinVar aggregate classification (germline): Uncertain significance (1 of 4 stars; one submission).

Conditions:
Inborn genetic diseases. Identifiers: MedGen C0950123, MeSH D030342.

Submission:

Ambry Genetics
Classification: Uncertain significance for Inborn genetic diseases. Last evaluated: 2025-03-20. Review status: criteria provided, single submitter. Criteria: Ambry Variant Classification Scheme 2023. Collection method: clinical testing. Allele origin: germline.
Comment: The p.G1532R variant (also known as c.4594G>C), located in coding exon 1 of the SAMD9 gene, results from a G to C substitution at nucleotide position 4594. The glycine at codon 1532 is replaced by arginine, an amino acid with dissimilar properties. This amino acid position is conserved. In addition, the in silico prediction for this alteration is inconclusive. Based on the available evidence, the clinical significance of this variant remains unclear.

NM_017654.4(SAMD9):c.4594G>C (p.Gly1532Arg)

Gene: SAMD9 (sterile alpha motif domain containing 9; minus strand). Cytogenetic location: 7q21.2.
Variant type: single nucleotide variant.
Coding change: c.4594G>C on transcript NM_017654.4 (MANE Select); coding-DNA position 4594, G replaced by C.
Protein change: p.Gly1532Arg; replaces glycine 1532 with arginine.
Molecular consequence: missense variant.
Genome position (GRCh38, 1-based): chr7:93,101,504, C>G on the plus strand (G>C on the coding strand, the complement: SAMD9 is on the minus strand). VCF-style: chr7-93101504-C-G. GRCh37 (hg19) VCF-style: chr7-92730817-C-G.
Other names: c.4594G>C, p.Gly1532Arg (NM_001193307.2); short protein forms G1532R.
Identifiers: ClinVar variation 3949459 (VCV003949459.1).